The following is an entry in ClinVar:

NM_000282.4(PCCA):c.231+47_231+50del

Gene: PCCA (propionyl-CoA carboxylase subunit alpha; plus strand). Cytogenetic location: 13q32.3.
Variant type: Microsatellite.
Coding change: c.231+47_231+50del on transcript NM_000282.4 (MANE Select); bases 47 to 50 of the intron after coding-DNA position 231, 4 bases deleted (TATT; older notation c.231+47_231+50delTATT).
Molecular consequence: intron variant.
Genome position (GRCh38, 1-based): chr13:100,111,935-100,111,938, TATT deleted; deleting any 4 consecutive bases within chr13:100,111,930-100,111,938 gives the same sequence; the c. name uses the placement nearest the transcript's 3' end. VCF-style (leftmost placement, unchanged base first): chr13-100111929-ATTAT-A. GRCh37 (hg19) VCF-style: chr13-100764183-ATTAT-A.
Other names: c.231+47_231+50delTATT (NM_000282.3); c.231+47_231+50del (NM_001178004.2, NM_001352605.2, NM_001352606.2 and 1 more transcripts); c.-636+47_-636+50del (NM_001352610.2, NM_001352611.2, NM_001352612.2); c.153+47_153+50del (NM_001127692.3, NM_001352607.2, NM_001352608.2).
Identifiers: ClinVar variation 255735 (VCV000255735.17), dbSNP rs147037340, ClinGen allele CA210982.
Genomic context (GRCh38, chr13:100,111,929, plus strand): 5'-GAGGAGAAATTGCATGTCGGGTGAGTAGAATTTTCGTCTTATTTTCCATTTTACTCTGAA[ATTAT>A]TTATTAAACCCCTTTAAGTGTGAATCACTATTAATAGACATTAATATATTTTAAAATAGG-3'

ClinVar aggregate classification (germline): Benign. Review status: criteria provided, multiple submitters, no conflicts (2 of 4 stars). 6 submissions from 6 submitters: Benign (5). 1 of the submissions does not count toward it. Last evaluated 2025-11-17.

Conditions:
Propionic acidemia (PROP). Also called: GLYCINEMIA, KETOTIC; HYPERGLYCINEMIA WITH KETOACIDOSIS AND LEUKOPENIA; KETOTIC HYPERGLYCINEMIA. Identifiers: Orphanet 35, MedGen C0268579, MONDO:0011628, OMIM 606054, HP:0003571.

Submissions (6):

Labcorp Genetics (formerly Invitae), Labcorp
Classification: Benign for Propionic acidemia. Last evaluated: 2025-11-17. Review status: criteria provided, single submitter. Criteria: Invitae Variant Classification Sherloc (09022015). Collection method: clinical testing. Allele origin: germline.

Genome-Nilou Lab
Classification: Benign for Propionic acidemia. Last evaluated: 2021-09-05. Review status: criteria provided, single submitter. Criteria: ACMG Guidelines, 2015. Collection method: clinical testing. Allele origin: germline. Affected: no.

Eurofins Ntd Llc (ga)
Classification: Benign. Last evaluated: 2012-11-15. Review status: criteria provided, single submitter. Criteria: EGL Classification Definitions 2015. Collection method: clinical testing. Allele origin: germline. Observed: 8 variant alleles, 8 heterozygotes.

Institute of Medical Genetics and Genomics, Sir Ganga Ram Hospital
Classification: Benign for Propionic Acidemia. Last evaluated: 2011-01-01. Review status: criteria provided, single submitter. Criteria: Gupta et al. (Genet Test Mol Biomarkers 2016). Collection method: research. Allele origin: germline. Observed: 1 variant allele. Study: ORGANIC ACIDURIAS.
Comment: Splice site variation

PreventionGenetics, part of Exact Sciences
Classification: Benign. Review status: criteria provided, single submitter. Criteria: ACMG Guidelines, 2015. Collection method: clinical testing. Allele origin: germline.

Natera, Inc.
Classification: Benign for Propionic acidemia. Last evaluated: 2019-09-25. Review status: no assertion criteria provided. Collection method: clinical testing. Allele origin: germline. Not counted in ClinVar's aggregate classification.